The following is an entry in ClinVar:

NM_006005.3(WFS1):c.1755C>T (p.Phe585=)

Gene: WFS1 (wolframin ER transmembrane glycoprotein; plus strand). Cytogenetic location: 4p16.1.
Variant type: single nucleotide variant.
Coding change: c.1755C>T on transcript NM_006005.3 (MANE Select); coding-DNA position 1755, C replaced by T.
Protein change: p.Phe585=; no amino-acid change (phenylalanine 585 retained).
Molecular consequence: synonymous variant.
Genome position (GRCh38, 1-based): chr4:6,301,550, C>T. VCF-style: chr4-6301550-C-T. GRCh37 (hg19) VCF-style: chr4-6303277-C-T.
Other names: c.1755C>T, p.Phe585= (NM_001145853.1).
Identifiers: ClinVar variation 718145 (VCV000718145.12), dbSNP rs1801210, ClinGen allele CA2839475.

ClinVar aggregate classification (germline): Benign/Likely benign. Review status: criteria provided, multiple submitters, no conflicts (2 of 4 stars). 5 submissions from 5 submitters: Benign (1); Likely benign (4). Last evaluated 2026-01-17.

Conditions:
Wolfram syndrome 1 (WFS1). Identifiers: Orphanet 3463, MedGen C4551693, MONDO:0009101, OMIM 222300.
Wolfram-like syndrome. Also called: HEARING LOSS, PROGRESSIVE, WITH OPTIC ATROPHY AND/OR IMPAIRED GLUCOSE REGULATION. Identifiers: Orphanet 411590, MedGen C3280358, MONDO:0013673, OMIM 614296.
Cataract 41 (CTRCT41). Also called: CATARACT 41, CONGENITAL NUCLEAR TYPE. Identifiers: Orphanet 91492, Orphanet 98991, Orphanet 98992, Orphanet 98995, MedGen C3805412, MONDO:0007287, OMIM 116400.
Autosomal dominant nonsyndromic hearing loss 6 (LFSNHL). Also called: DEAFNESS, AUTOSOMAL DOMINANT 6; DEAFNESS, AUTOSOMAL DOMINANT 14; DEAFNESS, AUTOSOMAL DOMINANT 38; Autosomal dominant nonsyndromic deafness 6. Identifiers: Orphanet 90635, MedGen C1833021, MONDO:0010963, OMIM 600965.
Type 2 diabetes mellitus. Also called: Type II diabetes mellitus. Identifiers: MedGen C0011860, MeSH D003924, MONDO:0005148, OMIM 125853, HP:0005978.

Allele frequency attached by ClinVar (database versions not stated): ExAC 0.00008; TOPMed 0.00014; gnomAD 0.00017; ESP Exome Variant Server 0.00023; 1000 Genomes Project 30x 0.00031; 1000 Genomes Project 0.00040.
gnomAD v4.1: 155 of 1,614,068 alleles (0.0096%); highest among the groups gnomAD compares: African/African-American, 0.023%; no homozygotes.

Submissions (5):

Labcorp Genetics (formerly Invitae), Labcorp
Classification: Likely benign. Last evaluated: 2026-01-17. Review status: criteria provided, single submitter. Criteria: Invitae Variant Classification Sherloc (09022015). Collection method: clinical testing. Allele origin: germline.

Blueprint Genetics
Classification: Likely benign. Last evaluated: 2024-11-11. Review status: criteria provided, single submitter. Criteria: ACMG Guidelines, 2015. Collection method: clinical testing. Allele origin: germline.

Fulgent Genetics
Classification: Likely benign for Cataract 41; Type 2 diabetes mellitus; Wolfram syndrome 1; Autosomal dominant nonsyndromic hearing loss 6; Wolfram-like syndrome. Last evaluated: 2021-12-27. Review status: criteria provided, single submitter. Criteria: ACMG Guidelines, 2015. Collection method: clinical testing. Allele origin: unknown.

Breakthrough Genomics
Classification: Likely benign. Review status: criteria provided, single submitter. Criteria: ACMG Guidelines, 2015. Collection method: not provided. Allele origin: germline. Inheritance: Autosomal recessive inheritance. Affected: yes.

Clinical Genomics, Uppaluri K&H Personalized Medicine Clinic
Classification: Benign for Wolfram syndrome 1. Review status: criteria provided, single submitter. Criteria: K & H Uppaluri Personalized Medicine Clinic Variant Classification & Assertion Criteria_Updated V.1. Collection method: research. Allele origin: unknown. Inheritance: Autosomal recessive inheritance.
Comment: Potent mutations in WFS1 gene are associated with Wolfram's syndrome, an autosomal recessive condition, which cause diabetes mellitus, diabetes insipidus, deafness and optic atrophy.However no sufficient evidence is found to ascertain the role of this particular variant rs1801210 in Wolfram's syndrome yet.

Literature cited by the submitters: PubMed 20738327 (cited by Clinical Genomics, Uppaluri K&H Personalized Medicine Clinic); PubMed 17603484 (cited by Clinical Genomics, Uppaluri K&H Personalized Medicine Clinic); PubMed 20301750 (cited by Clinical Genomics, Uppaluri K&H Personalized Medicine Clinic); PubMed 18060660 (cited by Clinical Genomics, Uppaluri K&H Personalized Medicine Clinic); PubMed 12955714 (cited by Clinical Genomics, Uppaluri K&H Personalized Medicine Clinic); PubMed 33879153 (cited by Clinical Genomics, Uppaluri K&H Personalized Medicine Clinic).